The following is an entry in ClinVar:

NM_005585.5(SMAD6):c.1417G>C (p.Gly473Arg)

Gene: SMAD6 (SMAD family member 6; plus strand). Cytogenetic location: 15q22.31.
Variant type: single nucleotide variant.
Coding change: c.1417G>C on transcript NM_005585.5 (MANE Select); coding-DNA position 1417, G replaced by C.
Protein change: p.Gly473Arg; replaces glycine 473 with arginine.
Molecular consequence: missense variant. On other transcripts: non-coding transcript variant (1).
Genome position (GRCh38, 1-based): chr15:66,781,461, G>C. VCF-style: chr15-66781461-G-C. GRCh37 (hg19) VCF-style: chr15-67073799-G-C.
Other names: short protein forms G473R.
Identifiers: ClinVar variation 1437083 (VCV001437083.6), dbSNP rs2140682417, ClinGen allele CA393202496.

ClinVar aggregate classification (germline): Uncertain significance (1 of 4 stars; one submission).

Conditions:
Aortic valve disease 2 (AOVD2). Identifiers: MedGen C3542024, MONDO:0013902, OMIM 614823.

Submission:

Labcorp Genetics (formerly Invitae), Labcorp
Classification: Uncertain significance for Aortic valve disease 2. Last evaluated: 2021-09-08. Review status: criteria provided, single submitter. Criteria: Invitae Variant Classification Sherloc (09022015). Collection method: clinical testing. Allele origin: germline.
Comment: This sequence change replaces glycine with arginine at codon 473 of the SMAD6 protein (p.Gly473Arg). The glycine residue is highly conserved and there is a moderate physicochemical difference between glycine and arginine. This variant is not present in population databases (ExAC no frequency). This missense change has been observed in individual(s) with craniosynostosis (PMID: 32499606). Algorithms developed to predict the effect of missense changes on protein structure and function (SIFT, PolyPhen-2, Align-GVGD) all suggest that this variant is likely to be disruptive. Experimental studies have shown that this missense change affects SMAD6 function (PMID: 32499606). In summary, the available evidence is currently insufficient to determine the role of this variant in disease. Therefore, it has been classified as a Variant of Uncertain Significance.

Literature cited by the submitters: PubMed 32499606.